The following is an entry in ClinVar:

ClinVar aggregate classification (germline): Benign. Review status: criteria provided, single submitter (1 of 4 stars). 2 submissions from 2 submitters: Benign (1). 1 of the submissions does not count toward it. Last evaluated 2014-08-22.

Conditions:
MEF2C-related disorder. Also called: MEF2C-related disorders; MEF2C-related condition. Identifiers: MedGen CN381096.

Allele frequency attached by ClinVar (database versions not stated): ExAC 0.00010; gnomAD exomes 0.00012 and 0.00014; TOPMed 0.00012; gnomAD 0.00019 and 0.00018; ESP Exome Variant Server 0.00017.
gnomAD v4.1: 218 of 1,601,714 alleles (0.014%); highest among the groups gnomAD compares: Non-Finnish European, 0.018%; no homozygotes.

Submissions (2):

GeneDx
Classification: Benign. Last evaluated: 2014-08-22. Review status: criteria provided, single submitter. Criteria: GeneDx Variant Classification (06012015). Collection method: clinical testing. Allele origin: germline. Affected: yes.
Comment: This variant is considered likely benign or benign based on one or more of the following criteria: it is a conservative change, it occurs at a poorly conserved position in the protein, it is predicted to be benign by multiple in silico algorithms, and/or has population frequency not consistent with disease.

PreventionGenetics, part of Exact Sciences
Classification: Likely benign for MEF2C-related condition. Last evaluated: 2024-01-05. Review status: no assertion criteria provided. Collection method: clinical testing. Allele origin: germline. Not counted in ClinVar's aggregate classification.
Comment: This variant is classified as likely benign based on ACMG/AMP sequence variant interpretation guidelines (Richards et al. 2015 PMID: 25741868, with internal and published modifications).

NM_002397.5(MEF2C):c.-42T>C

Gene: MEF2C (myocyte enhancer factor 2C; minus strand). Cytogenetic location: 5q14.3.
Variant type: single nucleotide variant.
Coding change: c.-42T>C on transcript NM_002397.5 (MANE Select); 42 bases upstream of the start codon, T replaced by C.
Molecular consequence: 5 prime UTR variant.
Genome position (GRCh38, 1-based): chr5:88,823,830, A>G on the plus strand (T>C on the coding strand, the complement: MEF2C is on the minus strand). VCF-style: chr5-88823830-A-G. GRCh37 (hg19) VCF-style: chr5-88119647-A-G.
Other names: c.-42T>C (NM_001131005.2, NM_001193347.1, NM_001193348.1 and 29 more transcripts).
Identifiers: ClinVar variation 206123 (VCV000206123.3), dbSNP rs371238107, ClinGen allele CA315900.
Genomic context (GRCh38, chr5:88,823,830, plus strand): 5'-GAATCTTTTTTCTCCCCATAGTCCCCGTTTTTCTTCTCTCTCTCGTCCCTGAAATTATGT[A>G]TTTTTTCCTTCCTTTTCTTTCTCTTTCCTGTTTCCTCCAAACAAATCTCCTTCTTCAGCA-3'